The following is an entry in ClinVar:

ClinVar aggregate classification (germline): Benign/Likely benign. Review status: criteria provided, multiple submitters, no conflicts (2 of 4 stars). 3 submissions from 3 submitters: Benign (1); Likely benign (2). Last evaluated 2026-06-25.

Conditions:
Hereditary cancer-predisposing syndrome. Also called: Neoplastic Syndromes, Hereditary; Tumor predisposition; Hereditary Cancer Syndrome; Hereditary neoplastic syndrome. Identifiers: Orphanet 140162, MedGen C0027672, MeSH D009386, MONDO:0015356.
Retinoblastoma (RB1). Also called: RETINOBLASTOMA, SOMATIC. Identifiers: Orphanet 790, MedGen C0035335, MeSH D012175, MONDO:0008380, OMIM 180200, HP:0009919. Disease mechanism: loss of function. Inheritance: Both sporadic and heritable forms are tested..

Submissions (3):

Myriad Genetics, Inc.
Classification: Benign for Retinoblastoma. Last evaluated: 2026-06-25. Review status: criteria provided, single submitter. Criteria: Myriad Autosomal Dominant, Autosomal Recessive and X-Linked Classification Criteria (2023). Collection method: clinical testing. Allele origin: unknown.
Comment: This variant is considered benign. This variant is a silent/synonymous amino acid change and it is not expected to impact splicing.

Labcorp Genetics (formerly Invitae), Labcorp
Classification: Likely benign for Retinoblastoma. Last evaluated: 2023-09-05. Review status: criteria provided, single submitter. Criteria: Invitae Variant Classification Sherloc (09022015). Collection method: clinical testing. Allele origin: germline.

Ambry Genetics
Classification: Likely benign for Hereditary cancer-predisposing syndrome. Last evaluated: 2020-08-02. Review status: criteria provided, single submitter. Criteria: Ambry Variant Classification Scheme 2023. Collection method: clinical testing. Allele origin: germline.

NM_000321.3(RB1):c.2685C>G (p.Ser895=)

Gene: RB1 (RB transcriptional corepressor 1; plus strand). Cytogenetic location: 13q14.2.
Variant type: single nucleotide variant.
Coding change: c.2685C>G on transcript NM_000321.3 (MANE Select); coding-DNA position 2685, C replaced by G.
Protein change: p.Ser895=; no amino-acid change (serine 895 retained).
Molecular consequence: synonymous variant.
Genome position (GRCh38, 1-based): chr13:48,477,376, C>G. VCF-style: chr13-48477376-C-G. GRCh37 (hg19) VCF-style: chr13-49051512-C-G.
Identifiers: ClinVar variation 1095397 (VCV001095397.12), dbSNP rs2138360868, ClinGen allele CA483561148.